The following is an entry in ClinVar:

ClinVar aggregate classification (germline): Uncertain significance (1 of 4 stars; one submission).

Allele frequency attached by ClinVar (database versions not stated): TOPMed below 0.00001.
gnomAD v4.1: 12 of 1,513,882 alleles (0.00079%); highest among the groups gnomAD compares: Non-Finnish European, 0.0011%; no homozygotes.

Submission:

Labcorp Genetics (formerly Invitae), Labcorp
Classification: Uncertain significance. Last evaluated: 2023-08-07. Review status: criteria provided, single submitter. Criteria: Invitae Variant Classification Sherloc (09022015). Collection method: clinical testing. Allele origin: germline.
Comment: Advanced modeling of protein sequence and biophysical properties (such as structural, functional, and spatial information, amino acid conservation, physicochemical variation, residue mobility, and thermodynamic stability) has been performed at Invitae for this missense variant, however the output from this modeling did not meet the statistical confidence thresholds required to predict the impact of this variant on DCHS1 protein function. In summary, the available evidence is currently insufficient to determine the role of this variant in disease. Therefore, it has been classified as a Variant of Uncertain Significance. This variant has not been reported in the literature in individuals affected with DCHS1-related conditions. This sequence change replaces proline, which is neutral and non-polar, with serine, which is neutral and polar, at codon 977 of the DCHS1 protein (p.Pro977Ser). This variant is not present in population databases (gnomAD no frequency).

NM_003737.4(DCHS1):c.2929C>T (p.Pro977Ser)

Gene: DCHS1 (dachsous cadherin-related 1; minus strand). Cytogenetic location: 11p15.4.
Variant type: single nucleotide variant.
Coding change: c.2929C>T on transcript NM_003737.4 (MANE Select); coding-DNA position 2929, C replaced by T.
Protein change: p.Pro977Ser; replaces proline 977 with serine.
Molecular consequence: missense variant.
Genome position (GRCh38, 1-based): chr11:6,632,583, G>A on the plus strand (C>T on the coding strand, the complement: DCHS1 is on the minus strand). VCF-style: chr11-6632583-G-A. GRCh37 (hg19) VCF-style: chr11-6653814-G-A.
Other names: short protein forms P977S.
Identifiers: ClinVar variation 2788162 (VCV002788162.3), dbSNP rs933209289, ClinGen allele CA217299355.